The following is an entry in ClinVar:

NM_006206.6(PDGFRA):c.65T>G (p.Leu22Arg)

Gene: PDGFRA (platelet derived growth factor receptor alpha; plus strand). Cytogenetic location: 4q12.
Variant type: single nucleotide variant.
Coding change: c.65T>G on transcript NM_006206.6 (MANE Select); coding-DNA position 65, T replaced by G.
Protein change: p.Leu22Arg; replaces leucine 22 with arginine.
Molecular consequence: missense variant.
Genome position (GRCh38, 1-based): chr4:54,261,110, T>G. VCF-style: chr4-54261110-T-G. GRCh37 (hg19) VCF-style: chr4-55127277-T-G.
Other names: c.65T>G, p.Leu22Arg (NM_001347827.2, NM_001347829.2); c.140T>G, p.Leu47Arg (NM_001347828.2); c.104T>G, p.Leu35Arg (NM_001347830.2); short protein forms L47R, L35R, L22R.
Identifiers: ClinVar variation 3416421 (VCV003416421.3).

ClinVar aggregate classification (germline): Uncertain significance. Review status: criteria provided, multiple submitters, no conflicts (2 of 4 stars). 2 submissions from 2 submitters: Uncertain significance (2). Last evaluated 2024-09-10.

Conditions:
Gastrointestinal stromal tumor. Also called: Gastrointestinal stromal tumor, somatic; Gastrointestinal stroma tumor. Identifiers: Orphanet 44890, MedGen C0238198, MeSH D046152, MONDO:0011719, OMIM 606764, HP:0100723.
Hereditary cancer-predisposing syndrome. Also called: Neoplastic Syndromes, Hereditary; Tumor predisposition; Hereditary Cancer Syndrome; Hereditary neoplastic syndrome. Identifiers: Orphanet 140162, MedGen C0027672, MeSH D009386, MONDO:0015356.

Submissions (2):

Ambry Genetics
Classification: Uncertain significance for Hereditary cancer-predisposing syndrome. Last evaluated: 2024-09-10. Review status: criteria provided, single submitter. Criteria: Ambry Variant Classification Scheme 2023. Collection method: clinical testing. Allele origin: germline.
Comment: The p.L22R variant (also known as c.65T>G), located in coding exon 2 of the PDGFRA gene, results from a T to G substitution at nucleotide position 65. The leucine at codon 22 is replaced by arginine, an amino acid with dissimilar properties. This amino acid position is conserved. In addition, this alteration is predicted to be tolerated by in silico analysis. Based on the available evidence, the clinical significance of this variant remains unclear.

Labcorp Genetics (formerly Invitae), Labcorp
Classification: Uncertain significance for Gastrointestinal stromal tumor. Last evaluated: 2024-08-01. Review status: criteria provided, single submitter. Criteria: Invitae Variant Classification Sherloc (09022015). Collection method: clinical testing. Allele origin: germline.
Comment: This sequence change replaces leucine, which is neutral and non-polar, with arginine, which is basic and polar, at codon 22 of the PDGFRA protein (p.Leu22Arg). This variant is not present in population databases (gnomAD no frequency). This variant has not been reported in the literature in individuals affected with PDGFRA-related conditions. An algorithm developed to predict the effect of missense changes on protein structure and function outputs the following: PolyPhen-2: "Benign". The arginine amino acid residue is found in multiple mammalian species, which suggests that this missense change does not adversely affect protein function. In summary, the available evidence is currently insufficient to determine the role of this variant in disease. Therefore, it has been classified as a Variant of Uncertain Significance.